The following is an entry in ClinVar:

ClinVar aggregate classification (germline): Conflicting classifications of pathogenicity. Review status: criteria provided, conflicting classifications (1 of 4 stars). 2 submissions from 2 submitters: Uncertain significance (1); Likely benign (1). Last evaluated 2025-08-07.

Conditions:
Exostoses, multiple, type 2 (EXT2). Also called: Hereditary Multiple Osteochondromatosis, Type II; EXOSTOSES, MULTIPLE, TYPE II. Identifiers: Orphanet 321, MedGen C1851413, MONDO:0007586, OMIM 133701.
Inborn genetic diseases. Identifiers: MedGen C0950123, MeSH D030342.

Allele frequency attached by ClinVar (database versions not stated): ExAC 0.00001; TOPMed 0.00001; gnomAD 0.00002.
gnomAD v4.1: 21 of 1,613,832 alleles (0.0013%); highest among the groups gnomAD compares: Non-Finnish European, 0.0017%; no homozygotes.

Submissions (2):

Labcorp Genetics (formerly Invitae), Labcorp
Classification: Uncertain significance for Exostoses, multiple, type 2. Last evaluated: 2025-08-07. Review status: criteria provided, single submitter. Criteria: Invitae Variant Classification Sherloc (09022015). Collection method: clinical testing. Allele origin: germline.
Comment: This sequence change affects codon 179 of the EXT2 mRNA. It is a 'silent' change, meaning that it does not change the encoded amino acid sequence of the EXT2 protein. It affects a nucleotide within the consensus splice site. This variant is present in population databases (rs766384158, gnomAD 0.007%). This variant has not been reported in the literature in individuals affected with EXT2-related conditions. ClinVar contains an entry for this variant (Variation ID: 2174607). Algorithms developed to predict the effect of sequence changes on RNA splicing suggest that this variant is not likely to affect RNA splicing. In summary, the available evidence is currently insufficient to determine the role of this variant in disease. Therefore, it has been classified as a Variant of Uncertain Significance.

Ambry Genetics
Classification: Likely benign for Inborn genetic diseases. Last evaluated: 2023-10-13. Review status: criteria provided, single submitter. Criteria: Ambry Variant Classification Scheme 2023. Collection method: clinical testing. Allele origin: germline.

NM_207122.2(EXT2):c.537G>A (p.Arg179=)

Gene: EXT2 (exostosin glycosyltransferase 2; plus strand). Cytogenetic location: 11p11.2.
Variant type: single nucleotide variant.
Coding change: c.537G>A on transcript NM_207122.2 (MANE Select); coding-DNA position 537, G replaced by A.
Protein change: p.Arg179=; no amino-acid change (arginine 179 retained).
Molecular consequence: synonymous variant.
Genome position (GRCh38, 1-based): chr11:44,109,194, G>A. VCF-style: chr11-44109194-G-A. GRCh37 (hg19) VCF-style: chr11-44130744-G-A.
Other names: c.636G>A, p.Arg212= (NM_000401.3); c.537G>A, p.Arg179= (NM_001178083.3, NM_001389628.1, NM_001389630.1).
Identifiers: ClinVar variation 2174607 (VCV002174607.5), dbSNP rs766384158, ClinGen allele CA5954929.